The following is an entry in ClinVar:

NM_000051.4(ATM):c.7090-17G>C

Genes: ATM (ATM serine/threonine kinase; plus strand), C11orf65 (chromosome 11 open reading frame 65; minus strand). Cytogenetic location: 11q22.3.
Variant type: single nucleotide variant.
Coding change: c.7090-17G>C on transcript NM_000051.4 (MANE Select); 17 bases into the intron before coding-DNA position 7090, G replaced by C.
Molecular consequence: intron variant.
Genome position (GRCh38, 1-based): chr11:108,329,004, G>C. VCF-style: chr11-108329004-G-C. GRCh37 (hg19) VCF-style: chr11-108199731-G-C.
Other names: c.7090-17G>C (NM_001351834.2); c.641-19933C>G (NM_001330368.2); c.*38+6216C>G (NM_001351110.2).
Identifiers: ClinVar variation 919965 (VCV000919965.11), dbSNP rs1555121895, ClinGen allele CA913188464.
Genomic context (GRCh38, chr11:108,329,004, plus strand): 5'-TTACCTTAATTTGAGTGATTCTTTAGATGTATTTAGTATTTGTAAATATAATTTAAATTG[G>C]TTGTGTTTTCTTGAAGGCAGTAGAAGTTGCTGGAAATTATGATGGAGAAAGTAGTGATGA-3'

ClinVar aggregate classification (germline): Likely benign. Review status: criteria provided, multiple submitters, no conflicts (2 of 4 stars). 3 submissions from 3 submitters: Likely benign (3). Last evaluated 2024-07-23.

Conditions:
Hereditary cancer-predisposing syndrome. Also called: Tumor predisposition; Neoplastic Syndromes, Hereditary; Hereditary neoplastic syndrome; Hereditary Cancer Syndrome. Identifiers: Orphanet 140162, MedGen C0027672, MeSH D009386, MONDO:0015356.
Familial cancer of breast. Also called: Hereditary breast cancer; hereditary breast carcinoma; BREAST CANCER, FAMILIAL. Identifiers: Orphanet 227535, MedGen C0346153, MONDO:0016419, OMIM 114480. Disease mechanism: loss of function.
Ataxia-telangiectasia syndrome (AT). Also called: Ataxia-telangiectasia, complementation group D; AT, COMPLEMENTATION GROUP C; ATAXIA-TELANGIECTASIA, COMPLEMENTATION GROUP A; ATAXIA-TELANGIECTASIA, FRESNO VARIANT; Ataxia-telangiectasia; Ataxia telangiectasia (A-T). Identifiers: Orphanet 100, MedGen C0004135, MONDO:0008840, OMIM 208900.

Submissions (3):

Labcorp Genetics (formerly Invitae), Labcorp
Classification: Likely benign for Ataxia-telangiectasia syndrome. Last evaluated: 2024-07-23. Review status: criteria provided, single submitter. Criteria: Invitae Variant Classification Sherloc (09022015). Collection method: clinical testing. Allele origin: germline.

Myriad Genetics, Inc.
Classification: Likely benign for Familial cancer of breast. Last evaluated: 2024-06-13. Review status: criteria provided, single submitter. Criteria: Myriad Autosomal Dominant, Autosomal Recessive and X-Linked Classification Criteria (2023). Collection method: clinical testing. Allele origin: unknown.
Comment: This variant is considered likely benign. This variant is intronic and is not expected to impact mRNA splicing.

Color Diagnostics, LLC DBA Color Health
Classification: Likely benign for Hereditary cancer-predisposing syndrome. Last evaluated: 2019-02-12. Review status: criteria provided, single submitter. Criteria: ACMG Guidelines, 2015. Collection method: clinical testing. Allele origin: germline.